The following is an entry in ClinVar:

ClinVar aggregate classification (germline): Uncertain significance. Review status: criteria provided, multiple submitters, no conflicts (2 of 4 stars). 3 submissions from 3 submitters: Uncertain significance (3). Last evaluated 2024-04-05.

Allele frequency attached by ClinVar (database versions not stated): gnomAD exomes below 0.00001; gnomAD 0.00001.
gnomAD v4.1: 2 of 1,614,026 alleles (0.00012%); highest among the groups gnomAD compares: Non-Finnish European, 0.00017%; no homozygotes.

Submissions (3):

Blueprint Genetics
Classification: Uncertain significance. Last evaluated: 2024-04-05. Review status: criteria provided, single submitter. Criteria: ACMG Guidelines, 2015. Collection method: clinical testing. Allele origin: germline.

Revvity Omics, Revvity
Classification: Uncertain significance. Last evaluated: 2021-11-08. Review status: criteria provided, single submitter. Criteria: ACMG Guidelines, 2015. Collection method: clinical testing. Allele origin: germline.

Labcorp Genetics (formerly Invitae), Labcorp
Classification: Uncertain significance. Last evaluated: 2019-06-26. Review status: criteria provided, single submitter. Criteria: Invitae Variant Classification Sherloc (09022015). Collection method: clinical testing. Allele origin: germline.
Comment: In summary, the available evidence is currently insufficient to determine the role of this variant in disease. Therefore, it has been classified as a Variant of Uncertain Significance. Algorithms developed to predict the effect of missense changes on protein structure and function are either unavailable or do not agree on the potential impact of this missense change (SIFT: "Deleterious"; PolyPhen-2: "Benign"; Align-GVGD: "Class C15"). This variant has not been reported in the literature in individuals with SCN3A-related disease. This variant is not present in population databases (ExAC no frequency). This sequence change replaces phenylalanine with leucine at codon 269 of the SCN3A protein (p.Phe269Leu). The phenylalanine residue is highly conserved and there is a small physicochemical difference between phenylalanine and leucine.

NM_006922.4(SCN3A):c.805T>C (p.Phe269Leu)

Gene: SCN3A (sodium voltage-gated channel alpha subunit 3; minus strand). Cytogenetic location: 2q24.3.
Variant type: single nucleotide variant.
Coding change: c.805T>C on transcript NM_006922.4 (MANE Select); coding-DNA position 805, T replaced by C.
Protein change: p.Phe269Leu; replaces phenylalanine 269 with leucine.
Molecular consequence: missense variant.
Genome position (GRCh38, 1-based): chr2:165,162,718, A>G on the plus strand (T>C on the coding strand, the complement: SCN3A is on the minus strand). VCF-style: chr2-165162718-A-G. GRCh37 (hg19) VCF-style: chr2-166019228-A-G.
Other names: c.805T>C, p.Phe269Leu (NM_001081676.2, NM_001081677.2); short protein forms F269L.
Identifiers: ClinVar variation 650511 (VCV000650511.14), dbSNP rs1442892646, ClinGen allele CA349239215.